The following is an entry in ClinVar:

ClinVar aggregate classification (germline): Benign. Review status: reviewed by expert panel (3 of 4 stars). 38 submissions from 37 submitters: Benign (1). 37 of the submissions do not count toward it. Last evaluated 2015-08-10.

Conditions:
BRCA2-related disorder. Also called: BRCA2-related condition; BRCA2-related disorders. Identifiers: MedGen CN239275.
Breast neoplasm. Also called: Breast Neoplasms; Neoplasm of breast; Breast tumor; Neoplasm of the breast. Identifiers: MedGen C1458155, MeSH D001943, MONDO:0021100, HP:0100013. Disease mechanism: gain of function.
Breast and/or ovarian cancer. Identifiers: MedGen CN221562.
Hereditary cancer-predisposing syndrome. Also called: Neoplastic Syndromes, Hereditary; Hereditary neoplastic syndrome; Hereditary Cancer Syndrome; Tumor predisposition. Identifiers: Orphanet 140162, MedGen C0027672, MeSH D009386, MONDO:0015356.
Hereditary breast ovarian cancer syndrome. Also called: Hereditary breast and ovarian cancer syndrome (HBOC); Breast and ovarian cancer; BRCA1- and BRCA2-Associated Hereditary Breast and Ovarian Cancer; Hereditary breast and ovarian cancer syndrome; Hereditary breast and ovarian cancer; Hereditary breast and/or ovarian cancer syndrome. Identifiers: Orphanet 145, MedGen C0677776, MeSH D061325, MONDO:0003582. Disease mechanism: loss of function.
Fanconi anemia complementation group D1. Also called: BRCA2-Related Fanconi Anemia. Identifiers: Orphanet 319462, MedGen C1838457, MONDO:0011584, OMIM 605724.
Breast-ovarian cancer, familial, susceptibility to, 2 (BROVCA2). Also called: BRCA2 Hereditary Breast and Ovarian Cancer. Identifiers: Orphanet 145, MedGen C2675520, MONDO:0012933, OMIM 612555. Disease mechanism: loss of function.

Allele frequency attached by ClinVar (database versions not stated): ESP Exome Variant Server 0.00331; gnomAD 0.00247 and 0.00260; gnomAD exomes 0.00116; TOPMed 0.00236; 1000 Genomes Project 0.00379; ExAC 0.00128; 1000 Genomes Project 30x 0.00359.
gnomAD v4.1: 2,032 of 1,608,966 alleles (0.13%); highest among the groups gnomAD compares: African/African-American, 0.67%; 4 homozygotes.

Submissions 1 to 20 of 38:

Evidence-based Network for the Interpretation of Germline Mutant Alleles (ENIGMA)
Classification: Benign for Breast-ovarian cancer, familial 2. Last evaluated: 2015-08-10. Review status: reviewed by expert panel. Criteria: ENIGMA BRCA1/2 Classification Criteria (2015). Collection method: curation. Allele origin: germline.
Comment: IARC class based on posterior probability from multifactorial likelihood analysis, thresholds for class as per Plon et al. 2008 (PMID: 18951446). Class 1 based on posterior probability = 0.000000000000372

CeGaT Center for Human Genetics Tuebingen
Classification: Likely benign. Last evaluated: 2026-09-01. Review status: criteria provided, single submitter. Criteria: CeGaT Center For Human Genetics Tuebingen Variant Classification Criteria Version 2. Collection method: clinical testing. Allele origin: germline. Affected: yes. Observed: 10 variant alleles. Not counted in ClinVar's aggregate classification.
Comment: BRCA2: BP4

Labcorp Genetics (formerly Invitae), Labcorp
Classification: Benign for Hereditary breast ovarian cancer syndrome. Last evaluated: 2026-02-04. Review status: criteria provided, single submitter. Criteria: Invitae Variant Classification Sherloc (09022015). Collection method: clinical testing. Allele origin: germline. Not counted in ClinVar's aggregate classification.

ARUP Laboratories, Molecular Genetics and Genomics, ARUP Laboratories
Classification: Benign. Last evaluated: 2025-03-24. Review status: criteria provided, single submitter. Criteria: ARUP Molecular Germline Variant Investigation Process 2024. Collection method: clinical testing. Allele origin: germline. Not counted in ClinVar's aggregate classification.

Center for Genomic Medicine, Rigshospitalet, Copenhagen University Hospital
Classification: Benign. Last evaluated: 2025-03-04. Review status: criteria provided, single submitter. Criteria: ACMG Guidelines, 2015. Collection method: clinical testing. Allele origin: germline. Not counted in ClinVar's aggregate classification.

Blueprint Genetics
Classification: Likely benign. Last evaluated: 2024-11-11. Review status: criteria provided, single submitter. Criteria: ACMG Guidelines, 2015. Collection method: clinical testing. Allele origin: germline. Not counted in ClinVar's aggregate classification.

KCCC/NGS Laboratory, Kuwait Cancer Control Center
Classification: Benign for Breast-ovarian cancer, familial, susceptibility to, 2. Last evaluated: 2023-07-07. Review status: criteria provided, single submitter. Criteria: ACMG Guidelines, 2015. Collection method: clinical testing. Allele origin: germline. Affected: yes. Not counted in ClinVar's aggregate classification.

National Health Laboratory Service, Universitas Academic Hospital and University of the Free State
Classification: Benign for Hereditary breast ovarian cancer syndrome. Last evaluated: 2022-04-19. Review status: criteria provided, single submitter. Criteria: ACMG Guidelines, 2015. Collection method: clinical testing. Allele origin: germline. Affected: yes. Observed: 4 variant alleles. Not counted in ClinVar's aggregate classification.

Genetics Program, Instituto Nacional de Cancer
Classification: Benign for Hereditary breast ovarian cancer syndrome. Last evaluated: 2021-11-01. Review status: criteria provided, single submitter. Criteria: ACMG Guidelines, 2015. Collection method: research. Allele origin: germline. Affected: yes. Not counted in ClinVar's aggregate classification.

Sema4
Classification: Benign for Hereditary cancer-predisposing syndrome. Last evaluated: 2020-03-23. Review status: criteria provided, single submitter. Criteria: Sema4 Curation Guidelines. Collection method: curation. Allele origin: germline. Not counted in ClinVar's aggregate classification.

Mendelics
Classification: Likely benign for Breast-ovarian cancer, familial, susceptibility to, 2. Last evaluated: 2019-05-28. Review status: criteria provided, single submitter. Criteria: Mendelics Assertion Criteria 2017. Collection method: clinical testing. Allele origin: unknown. Not counted in ClinVar's aggregate classification.

Genetic Services Laboratory, University of Chicago
Classification: Benign. Last evaluated: 2018-08-07. Review status: criteria provided, single submitter. Criteria: ACMG Guidelines, 2015. Collection method: clinical testing. Allele origin: germline. Affected: no. Not counted in ClinVar's aggregate classification.

Illumina Laboratory Services, Illumina
Classification: Likely benign for Fanconi anemia complementation group D1. Last evaluated: 2018-03-08. Review status: criteria provided, single submitter. Criteria: ICSL Variant Classification Criteria 13 December 2019. Collection method: clinical testing. Allele origin: germline. Not counted in ClinVar's aggregate classification.
Comment: This variant was observed as part of a predisposition screen in an ostensibly healthy population. A literature search was performed for the gene, cDNA change, and amino acid change (where applicable). No publications were found based on this search. Allele frequency data from public databases allowed determination this variant is unlikely to cause disease. Therefore, this variant is classified as likely benign.

Illumina Laboratory Services, Illumina
Classification: Likely benign for Breast-ovarian cancer, familial, susceptibility to, 2. Last evaluated: 2018-03-08. Review status: criteria provided, single submitter. Criteria: ICSL Variant Classification Criteria 13 December 2019. Collection method: clinical testing. Allele origin: germline. Not counted in ClinVar's aggregate classification.
Comment: This variant was observed as part of a predisposition screen in an ostensibly healthy population. A literature search was performed for the gene, cDNA change, and amino acid change (where applicable). Publications were found based on this search. The evidence from the literature, in combination with allele frequency data from public databases where available, was sufficient to determine this variant is unlikely to cause disease. Therefore, this variant is classified as likely benign.

Genome Diagnostics Laboratory, University Medical Center Utrecht
Classification: Likely benign for Breast-ovarian cancer, familial, susceptibility to, 2. Last evaluated: 2017-07-28. Review status: criteria provided, single submitter. Criteria: ACGS Guidelines, 2013. Collection method: clinical testing. Allele origin: germline. Affected: yes. Study: VKGL Data-share Consensus. Not counted in ClinVar's aggregate classification.

Cancer Genetics and Genomics Laboratory, British Columbia Cancer Agency
Classification: Benign. Last evaluated: 2017-04-18. Review status: criteria provided, single submitter. Criteria: ACMG Guidelines, 2015. Collection method: clinical testing. Allele origin: germline. Study: The Canadian Open Genetics Repository (COGR). Not counted in ClinVar's aggregate classification.

Laboratory for Molecular Medicine, Mass General Brigham Personalized Medicine
Classification: Benign. Last evaluated: 2016-05-11. Review status: criteria provided, single submitter. Criteria: LMM Criteria. Collection method: clinical testing. Allele origin: germline. Not counted in ClinVar's aggregate classification.
Comment: Variant identified in a genome or exome case(s) and assessed due to predicted null impact of the variant or pathogenic assertions in the literature or databases. Disclaimer: This variant has not undergone full assessment. The following are preliminary notes: ClinVar: Ben by expert panel

Molecular Genetics Laboratory, University of Michigan
Classification: Benign for Breast-ovarian cancer, familial, susceptibility to, 2. Last evaluated: 2016-04-21. Review status: criteria provided, single submitter. Criteria: ACMG Guidelines, 2015. Collection method: clinical testing. Allele origin: germline. Affected: yes. Not counted in ClinVar's aggregate classification.

CHEO Genetics Diagnostic Laboratory, Children's Hospital of Eastern Ontario
Classification: Benign for Breast and/or ovarian cancer. Last evaluated: 2016-01-05. Review status: criteria provided, single submitter. Criteria: ACMG Guidelines, 2015. Collection method: clinical testing. Allele origin: germline. Study: Canadian Open Genetics Repository. Not counted in ClinVar's aggregate classification.

Clinical Genetics DNA and cytogenetics Diagnostics Lab, Erasmus MC, Erasmus Medical Center
Classification: Benign for Breast-ovarian cancer, familial, susceptibility to, 2. Last evaluated: 2015-09-21. Review status: criteria provided, single submitter. Criteria: ACGS Guidelines, 2013. Collection method: clinical testing. Allele origin: germline. Affected: yes. Study: VKGL Data-share Consensus. Not counted in ClinVar's aggregate classification.

NM_000059.4(BRCA2):c.6323G>A (p.Arg2108His)

Gene: BRCA2 (BRCA2 DNA repair associated; plus strand). Cytogenetic location: 13q13.1.
Variant type: single nucleotide variant.
Coding change: c.6323G>A on transcript NM_000059.4 (MANE Select); coding-DNA position 6323, G replaced by A.
Protein change: p.Arg2108His; replaces arginine 2108 with histidine.
Molecular consequence: missense variant.
Genome position (GRCh38, 1-based): chr13:32,340,678, G>A. VCF-style: chr13-32340678-G-A. GRCh37 (hg19) VCF-style: chr13-32914815-G-A.
Other names: p.R2108H:CGT>CAT; NP_000050.3:p.Arg2108His; 6551G>A; short protein forms R2108H.
Identifiers: ClinVar variation 38037 (VCV000038037.124), dbSNP rs35029074, ClinGen allele CA023906.